The following is an entry in ClinVar:

ClinVar aggregate classification (germline): Uncertain significance (0 of 4 stars; one submission).

Conditions:
VIL1-related disorder. Also called: VIL1-related condition.

Submission:

PreventionGenetics, part of Exact Sciences
Classification: Uncertain significance for VIL1-related condition. Last evaluated: 2024-06-06. Review status: no assertion criteria provided. Collection method: clinical testing. Allele origin: germline.
Comment: The VIL1 c.241T>C variant is predicted to result in the amino acid substitution p.Tyr81His. To our knowledge, this variant has not been reported in the literature or in a large population database, indicating this variant is rare. At this time, the clinical significance of this variant is uncertain due to the absence of conclusive functional and genetic evidence.

NM_007127.3(VIL1):c.241T>C (p.Tyr81His)

Gene: VIL1 (villin 1; plus strand). Cytogenetic location: 2q35.
Variant type: single nucleotide variant.
Coding change: c.241T>C on transcript NM_007127.3 (MANE Select); coding-DNA position 241, T replaced by C.
Protein change: p.Tyr81His; replaces tyrosine 81 with histidine.
Molecular consequence: missense variant.
Genome position (GRCh38, 1-based): chr2:218,425,705, T>C. VCF-style: chr2-218425705-T-C. GRCh37 (hg19) VCF-style: chr2-219290428-T-C.
Other names: short protein forms Y81H.
Identifiers: ClinVar variation 3347001 (VCV003347001.1).